The following is an entry in ClinVar:

ClinVar aggregate classification (germline): Uncertain significance (1 of 4 stars; one submission).

Allele frequency attached by ClinVar (database versions not stated): ExAC 0.00001.
gnomAD v4.1: 32 of 1,613,268 alleles (0.002%); highest among the groups gnomAD compares: Non-Finnish European, 0.0024%; no homozygotes.

Submission:

Labcorp Genetics (formerly Invitae), Labcorp
Classification: Uncertain significance. Last evaluated: 2023-05-19. Review status: criteria provided, single submitter. Criteria: Invitae Variant Classification Sherloc (09022015). Collection method: clinical testing. Allele origin: germline.
Comment: In summary, the available evidence is currently insufficient to determine the role of this variant in disease. Therefore, it has been classified as a Variant of Uncertain Significance. Variants that disrupt the consensus splice site are a relatively common cause of aberrant splicing (PMID: 17576681, 9536098). Algorithms developed to predict the effect of sequence changes on RNA splicing suggest that this variant may create or strengthen a splice site. This variant has not been reported in the literature in individuals affected with MYH9-related conditions. This variant is present in population databases (rs775695035, gnomAD 0.002%). This sequence change falls in intron 29 of the MYH9 gene. It does not directly change the encoded amino acid sequence of the MYH9 protein. It affects a nucleotide within the consensus splice site.

Literature cited by the submitters: PubMed 17576681; PubMed 9536098.

NM_002473.6(MYH9):c.3942+5G>C

Gene: MYH9 (myosin heavy chain 9; minus strand). Cytogenetic location: 22q12.3.
Variant type: single nucleotide variant.
Coding change: c.3942+5G>C on transcript NM_002473.6 (MANE Select); 5 bases into the intron after coding-DNA position 3942, G replaced by C.
Molecular consequence: intron variant.
Genome position (GRCh38, 1-based): chr22:36,293,754, C>G on the plus strand (G>C on the coding strand, the complement: MYH9 is on the minus strand). VCF-style: chr22-36293754-C-G. GRCh37 (hg19) VCF-style: chr22-36689800-C-G.
Identifiers: ClinVar variation 3016134 (VCV003016134.3), dbSNP rs775695035, ClinGen allele CA10209518.